The following is an entry in ClinVar:

ClinVar aggregate classification (germline): Pathogenic (1 of 4 stars; one submission).

Submission:

GeneDx
Classification: Pathogenic. Last evaluated: 2016-04-25. Review status: criteria provided, single submitter. Criteria: GeneDx Variant Classification (06012015). Collection method: clinical testing. Allele origin: germline. Affected: yes.
Comment: The c.3432dupA pathogenic variant in the KAT6A gene has not been reported previously as a pathogenic variant nor as a benign variant, to our knowledge. The c.3432dupA variant causes a frameshift starting with codon Proline 1145, changes this amino acid to a Threonine residue, and creates a premature Stop codon at position 30 of the new reading frame, denoted p.Pro1145ThrfsX30. This variant is predicted to cause loss of normal protein function through protein truncation. The c.3432dupA variant was not observed in approximately 6,500 individuals of European and African American ancestry in the NHLBI Exome Sequencing Project, indicating it is not a common benign variant in these populations. We interpret c.3432dupA as a pathogenic variant.

NM_006766.5(KAT6A):c.3432dup (p.Pro1145fs)

Gene: KAT6A (lysine acetyltransferase 6A; minus strand). Cytogenetic location: 8p11.21.
Variant type: Duplication.
Coding change: c.3432dup on transcript NM_006766.5 (MANE Select); coding-DNA position 3432, one base duplicated (A; older notation c.3432dupA).
Protein change: p.Pro1145fs; shifts the reading frame from proline 1145.
Molecular consequence: frameshift variant.
Genome position (GRCh38, 1-based): chr8:41,934,788, T duplicated on the plus strand (A on the coding strand, the reverse complement: KAT6A is on the minus strand). VCF-style (leftmost placement, unchanged base first): chr8-41934787-G-GT. GRCh37 (hg19) VCF-style: chr8-41792305-G-GT.
Other names: short protein forms P1145fs.
Identifiers: ClinVar variation 280545 (VCV000280545.2), dbSNP rs886041731, ClinGen allele CA10603080.